The following is an entry in ClinVar:

ClinVar aggregate classification (germline): Pathogenic (1 of 4 stars; one submission).

Conditions:
Peutz-Jeghers syndrome (PJS). Also called: POLYPOSIS, HAMARTOMATOUS INTESTINAL; POLYPS-AND-SPOTS SYNDROME; Peutz-Jeghers polyposis; Periorificial lentiginosis syndrome. Identifiers: Orphanet 2869, MedGen C0031269, MeSH D010580, MONDO:0008280, OMIM 175200.

Submission:

Labcorp Genetics (formerly Invitae), Labcorp
Classification: Pathogenic for Peutz-Jeghers syndrome. Last evaluated: 2019-11-16. Review status: criteria provided, single submitter. Criteria: Invitae Variant Classification Sherloc (09022015). Collection method: clinical testing. Allele origin: germline.
Comment: This variant has not been reported in the literature in individuals with STK11-related disease. For these reasons, this variant has been classified as Pathogenic. Loss-of-function variants in STK11 are known to be pathogenic (PMID: 15188174, 16287113). This variant is not present in population databases (ExAC no frequency). This sequence change creates a premature translational stop signal (p.Ile322Serfs*14) in the STK11 gene. It is expected to result in an absent or disrupted protein product.

Literature cited by the submitters: PubMed 15188174; PubMed 16287113.

NM_000455.5(STK11):c.964del (p.Ile322fs)

Gene: STK11 (serine/threonine kinase 11; plus strand). Cytogenetic location: 19p13.3.
Variant type: Deletion.
Coding change: c.964del on transcript NM_000455.5 (MANE Select); coding-DNA position 964, one base deleted (A; older notation c.964delA).
Protein change: p.Ile322fs; shifts the reading frame from isoleucine 322.
Molecular consequence: frameshift variant.
Genome position (GRCh38, 1-based): chr19:1,223,028, A deleted. VCF-style (leftmost placement, unchanged base first): chr19-1223027-CA-C. GRCh37 (hg19) VCF-style: chr19-1223026-CA-C.
Other names: c.964delA (NM_000455.4); short protein forms I322fs.
Identifiers: ClinVar variation 665485 (VCV000665485.8), dbSNP rs1599929335, ClinGen allele CA915951600.
Genomic context (GRCh38, chr19:1,223,027, plus strand): 5'-GCTTCTGGGCGTTTGCAGCTGGTTCCGGAAGAAACATCCTCCGGCTGAAGCACCAGTGCC[CA>C]TCCCACCGAGCCCAGACACCAAGGACCGGTGGCGCAGCATGACTGTGGTGCCGTACTTGG-3'